The following is an entry in ClinVar:

ClinVar aggregate classification (germline): Pathogenic. Review status: criteria provided, multiple submitters, no conflicts (2 of 4 stars). 2 submissions from 2 submitters: Pathogenic (2). Last evaluated 2024-07-09.

Conditions:
Wilson disease (WND). Also called: Wilson's disease. Identifiers: Orphanet 905, MedGen C0019202, MONDO:0010200, OMIM 277900. Disease mechanism: loss of function.

Submissions (2):

Myriad Genetics, Inc.
Classification: Pathogenic for Wilson disease. Last evaluated: 2024-07-09. Review status: criteria provided, single submitter. Criteria: Myriad Autosomal Dominant, Autosomal Recessive and X-Linked Classification Criteria (2023). Collection method: clinical testing. Allele origin: unknown.
Comment: NM_000053.3(ATP7B):c.3361_3364delAGTG(S1121Hfs*6) is expected to be pathogenic in the context of Wilson disease. This variant is predicted to lead to an abnormal or absent protein product due to the creation of a premature termination codon in ATP7B, a gene where loss-of-function variants are known to be pathogenic. Please note: this variant was assessed in the context of healthy population screening.

Labcorp Genetics (formerly Invitae), Labcorp
Classification: Pathogenic for Wilson disease. Last evaluated: 2023-05-12. Review status: criteria provided, single submitter. Criteria: Invitae Variant Classification Sherloc (09022015). Collection method: clinical testing. Allele origin: germline.
Comment: For these reasons, this variant has been classified as Pathogenic. This variant has not been reported in the literature in individuals affected with ATP7B-related conditions. This variant is not present in population databases (gnomAD no frequency). This sequence change creates a premature translational stop signal (p.Ser1121Hisfs*6) in the ATP7B gene. It is expected to result in an absent or disrupted protein product. Loss-of-function variants in ATP7B are known to be pathogenic (PMID: 10441329, 16283883).

Literature cited by the submitters: PubMed 10441329 (cited by Labcorp Genetics (formerly Invitae), Labcorp); PubMed 16283883 (cited by Labcorp Genetics (formerly Invitae), Labcorp).

NM_000053.4(ATP7B):c.3361_3364del (p.Ser1121fs)

Gene: ATP7B (ATPase copper transporting beta; minus strand). Cytogenetic location: 13q14.3.
Variant type: Deletion.
Coding change: c.3361_3364del on transcript NM_000053.4 (MANE Select); coding-DNA positions 3361 to 3364, 4 bases deleted (AGTG; older notation c.3361_3364delAGTG).
Protein change: p.Ser1121fs; shifts the reading frame from serine 1121.
Molecular consequence: frameshift variant.
Genome position (GRCh38, 1-based): chr13:51,942,434-51,942,437, CACT deleted on the plus strand (AGTG on the coding strand, the reverse complement: ATP7B is on the minus strand); deleting any 4 consecutive bases within chr13:51,942,434-51,942,439 gives the same sequence; the c. name uses the placement nearest the transcript's 3' end. VCF-style (leftmost placement, unchanged base first): chr13-51942433-GCACT-G. GRCh37 (hg19) VCF-style: chr13-52516569-GCACT-G.
Other names: c.3307_3310del, p.Ser1103fs (NM_001406516.1, NM_001406515.1); c.3265_3268del, p.Ser1089fs (NM_001406517.1, NM_001406518.1); c.3226_3229del, p.Ser1076fs (NM_001406519.1); c.3217_3220del, p.Ser1073fs (NM_001406520.1, NM_001406521.1, NM_001406522.1); c.3178_3181del, p.Ser1060fs (NM_001406523.1); c.3184_3187del, p.Ser1062fs (NM_001406524.1); c.3166_3169del, p.Ser1056fs (NM_001406525.1); c.3361_3364del, p.Ser1121fs (NM_001406526.1, NM_001406511.1, NM_001406512.1); and 19 more; short protein forms S1037fs, S1073fs, S691fs, S978fs, S1005fs, S1010fs, S1025fs, S1043fs.
Identifiers: ClinVar variation 2867519 (VCV002867519.4), dbSNP rs2547611952, ClinGen allele CA2739277652.